The following is an entry in ClinVar:

NM_001001563.5(TIMM50):c.880G>A (p.Val294Met)

Gene: TIMM50 (translocase of inner mitochondrial membrane 50; plus strand). Cytogenetic location: 19q13.2.
Variant type: single nucleotide variant.
Coding change: c.880G>A on transcript NM_001001563.5 (MANE Select); coding-DNA position 880, G replaced by A.
Protein change: p.Val294Met; replaces valine 294 with methionine.
Molecular consequence: missense variant.
Genome position (GRCh38, 1-based): chr19:39,488,565, G>A. VCF-style: chr19-39488565-G-A. GRCh37 (hg19) VCF-style: chr19-39979205-G-A.
Other names: c.1189G>A (NM_001001563.1); c.541G>A, p.Val181Met (NM_001329559.2); short protein forms V294M, V181M.
Identifiers: ClinVar variation 1374902 (VCV001374902.10), dbSNP rs772964061, ClinGen allele CA9432004.

ClinVar aggregate classification (germline): Uncertain significance. Review status: criteria provided, multiple submitters, no conflicts (2 of 4 stars). 2 submissions from 2 submitters: Uncertain significance (2). Last evaluated 2025-04-12.

Conditions:
Inborn genetic diseases. Identifiers: MedGen C0950123, MeSH D030342.

Allele frequency attached by ClinVar (database versions not stated): ExAC 0.00001; gnomAD 0.00001; TOPMed 0.00003.
gnomAD v4.1: 20 of 1,612,934 alleles (0.0012%); highest among the groups gnomAD compares: East Asian, 0.0045%; no homozygotes.

Submissions (2):

Ambry Genetics
Classification: Uncertain significance for Inborn genetic diseases. Last evaluated: 2025-04-12. Review status: criteria provided, single submitter. Criteria: Ambry Variant Classification Scheme 2023. Collection method: clinical testing. Allele origin: germline.

Labcorp Genetics (formerly Invitae), Labcorp
Classification: Uncertain significance. Last evaluated: 2022-10-24. Review status: criteria provided, single submitter. Criteria: Invitae Variant Classification Sherloc (09022015). Collection method: clinical testing. Allele origin: germline.
Comment: This sequence change replaces valine, which is neutral and non-polar, with methionine, which is neutral and non-polar, at codon 397 of the TIMM50 protein (p.Val397Met). This variant is present in population databases (rs772964061, gnomAD 0.0009%). This variant has not been reported in the literature in individuals affected with TIMM50-related conditions. ClinVar contains an entry for this variant (Variation ID: 1374902). Advanced modeling of protein sequence and biophysical properties (such as structural, functional, and spatial information, amino acid conservation, physicochemical variation, residue mobility, and thermodynamic stability) performed at Invitae indicates that this missense variant is expected to disrupt TIMM50 protein function. In summary, the available evidence is currently insufficient to determine the role of this variant in disease. Therefore, it has been classified as a Variant of Uncertain Significance.